The following is an entry in ClinVar:

NM_000384.3(APOB):c.4538G>A (p.Arg1513Gln)

Gene: APOB (apolipoprotein B; minus strand). Cytogenetic location: 2p24.1.
Variant type: single nucleotide variant.
Coding change: c.4538G>A on transcript NM_000384.3 (MANE Select); coding-DNA position 4538, G replaced by A.
Protein change: p.Arg1513Gln; replaces arginine 1513 with glutamine.
Molecular consequence: missense variant.
Genome position (GRCh38, 1-based): chr2:21,012,330, C>T on the plus strand (G>A on the coding strand, the complement: APOB is on the minus strand). VCF-style: chr2-21012330-C-T. GRCh37 (hg19) VCF-style: chr2-21235202-C-T.
Other names: short protein forms R1513Q.
Identifiers: ClinVar variation 695855 (VCV000695855.19), dbSNP rs780817600, ClinGen allele CA061102.
Genomic context (GRCh38, chr2:21,012,330, plus strand): 5'-ATCTGGTTGGTGCCTTGGAGGTAGGAGGAGTTAAACCTCAGGTTGGACTCTCCATTGAGC[C>T]GGCCAGTGTTAGGATCCCTCTGACAAGACAGGCCATATGTGCCTTTAGCATAGAACGAAG-3'
Protein context (NP_000375.3, residues 1503-1523): LSCQRDPNTG[Arg1513Gln]LNGESNLRFN

ClinVar aggregate classification (germline): Likely benign. Review status: criteria provided, multiple submitters, no conflicts (2 of 4 stars). 4 submissions from 4 submitters: Likely benign (3). 1 of the submissions does not count toward it. Last evaluated 2026-09-21.

Conditions:
APOB-related disorder. Also called: APOB-related condition; APOB-related disorders.
Cardiovascular phenotype. Identifiers: MedGen CN230736.
Hypercholesterolemia, autosomal dominant, type B (FHCL2). Also called: APOB-Related Familial Hypercholesterolemia, Autosomal Dominant; Familial Hypercholesterolemia Type B; APOLIPOPROTEIN B-100, FAMILIAL DEFECTIVE; APOLIPOPROTEIN B-100, FAMILIAL LIGAND-DEFECTIVE; HYPERCHOLESTEROLEMIA, FAMILIAL, DUE TO LIGAND-DEFECTIVE APOLIPOPROTEIN B; Familial hypercholesterolemia 2. Identifiers: MedGen C1704417, MONDO:0007751, OMIM 144010.
Familial hypobetalipoproteinemia 1. Also called: APOB-Related Familial Hypobetalipoproteinemia; Hypobetalipoproteinemia, normotriglyceridemic; Acanthocytosis with hypobetalipoproteinemia. Identifiers: MedGen C4551990, MONDO:0014252, OMIM 615558.

Allele frequency attached by ClinVar (database versions not stated): gnomAD 0.00007; TOPMed 0.00007; ExAC 0.00014; gnomAD exomes 0.00011 and 0.00004.
gnomAD v4.1: 74 of 1,614,000 alleles (0.0046%); highest among the groups gnomAD compares: East Asian, 0.031%; no homozygotes.

Submissions (4):

Molecular Diagnostic Laboratory for Inherited Cardiovascular Disease, Montreal Heart Institute
Classification: Likely benign. Last evaluated: 2026-09-21. Review status: criteria provided, single submitter. Criteria: ACMG Guidelines, 2015. Collection method: clinical testing. Allele origin: germline. Affected: no.
Comment: BP4

Labcorp Genetics (formerly Invitae), Labcorp
Classification: Likely benign for Familial hypobetalipoproteinemia 1; Hypercholesterolemia, autosomal dominant, type B. Last evaluated: 2026-01-16. Review status: criteria provided, single submitter. Criteria: Invitae Variant Classification Sherloc (09022015). Collection method: clinical testing. Allele origin: germline.

Ambry Genetics
Classification: Likely benign for Cardiovascular phenotype. Last evaluated: 2022-03-03. Review status: criteria provided, single submitter. Criteria: Ambry Variant Classification Scheme 2023. Collection method: clinical testing. Allele origin: germline.

PreventionGenetics, part of Exact Sciences
Classification: Uncertain significance for APOB-related condition. Last evaluated: 2024-05-03. Review status: no assertion criteria provided. Collection method: clinical testing. Allele origin: germline. Not counted in ClinVar's aggregate classification.
Comment: The APOB c.4538G>A variant is predicted to result in the amino acid substitution p.Arg1513Gln. To our knowledge, this variant has not been reported in the literature. This variant is reported in 0.085% of alleles in individuals of East Asian descent in gnomAD. Although we suspect that this variant may be benign, at this time, the clinical significance of this variant is uncertain due to the absence of conclusive functional and genetic evidence.